The following is an entry in ClinVar:

NM_007118.4(TRIO):c.6151C>T (p.His2051Tyr)

Gene: TRIO (trio Rho guanine nucleotide exchange factor; plus strand). Cytogenetic location: 5p15.2.
Variant type: single nucleotide variant.
Coding change: c.6151C>T on transcript NM_007118.4 (MANE Select); coding-DNA position 6151, C replaced by T.
Protein change: p.His2051Tyr; replaces histidine 2051 with tyrosine.
Molecular consequence: missense variant. On other transcripts: non-coding transcript variant (1).
Genome position (GRCh38, 1-based): chr5:14,476,961, C>T. VCF-style: chr5-14476961-C-T. GRCh37 (hg19) VCF-style: chr5-14477070-C-T.
Other names: short protein forms H2051Y.
Identifiers: ClinVar variation 3027031 (VCV003027031.22), dbSNP rs2533603195, ClinGen allele CA359232593.
Genomic context (GRCh38, chr5:14,476,961, plus strand): 5'-TTAGGAGAGTTAGAGAAGTGCCTTGAAGATCCAGAAAAACTAGGATCCCTTTTTGTTAAA[C>T]ACGTAAGCACAATAGCATTGCTTATATCCTGTTCTGATGGTGTCATCCTTAGTCACTGGT-3'
Protein context (NP_009049.2, residues 2041-2061): PEKLGSLFVK[His2051Tyr]ERRLHMYIAY

ClinVar aggregate classification (germline): Likely benign (1 of 4 stars; one submission).

Allele frequency attached by ClinVar (database versions not stated): gnomAD exomes below 0.00001.
gnomAD v4.1: 1 of 1,613,020 alleles (0.000062%); highest among the groups gnomAD compares: South Asian, 0.0011%; no homozygotes.

Submission:

CeGaT Center for Human Genetics Tuebingen
Classification: Likely benign. Last evaluated: 2024-01-01. Review status: criteria provided, single submitter. Criteria: CeGaT Center For Human Genetics Tuebingen Variant Classification Criteria Version 2. Collection method: clinical testing. Allele origin: germline. Affected: yes. Observed: 1 variant allele.
Comment: TRIO: BS2